The following is an entry in ClinVar:

NM_003070.5(SMARCA2):c.947C>T (p.Ser316Leu)

Gene: SMARCA2 (SWI/SNF related BAF chromatin remodeling complex subunit ATPase 2; plus strand). Cytogenetic location: 9p24.3.
Variant type: single nucleotide variant.
Coding change: c.947C>T on transcript NM_003070.5 (MANE Select); coding-DNA position 947, C replaced by T.
Protein change: p.Ser316Leu; replaces serine 316 with leucine.
Molecular consequence: missense variant.
Genome position (GRCh38, 1-based): chr9:2,047,385, C>T. VCF-style: chr9-2047385-C-T. GRCh37 (hg19) VCF-style: chr9-2047385-C-T.
Other names: c.947C>T, p.Ser316Leu (NM_001289396.2, NM_001289397.2, NM_139045.4); short protein forms S316L.
Identifiers: ClinVar variation 3685252 (VCV003685252.2).

ClinVar aggregate classification (germline): Uncertain significance (1 of 4 stars; one submission).

Submission:

Labcorp Genetics (formerly Invitae), Labcorp
Classification: Uncertain significance. Last evaluated: 2024-05-13. Review status: criteria provided, single submitter. Criteria: Invitae Variant Classification Sherloc (09022015). Collection method: clinical testing. Allele origin: germline.
Comment: This sequence change replaces serine, which is neutral and polar, with leucine, which is neutral and non-polar, at codon 316 of the SMARCA2 protein (p.Ser316Leu). This variant is not present in population databases (gnomAD no frequency). This variant has not been reported in the literature in individuals affected with SMARCA2-related conditions. Advanced modeling of protein sequence and biophysical properties (such as structural, functional, and spatial information, amino acid conservation, physicochemical variation, residue mobility, and thermodynamic stability) performed at Invitae indicates that this missense variant is not expected to disrupt SMARCA2 protein function with a negative predictive value of 80%. In summary, the available evidence is currently insufficient to determine the role of this variant in disease. Therefore, it has been classified as a Variant of Uncertain Significance.